The following is an entry in ClinVar:

NM_000368.5(TSC1):c.2230G>A (p.Glu744Lys)

Gene: TSC1 (TSC complex subunit 1; minus strand). Cytogenetic location: 9q34.13.
Variant type: single nucleotide variant.
Coding change: c.2230G>A on transcript NM_000368.5 (MANE Select); coding-DNA position 2230, G replaced by A.
Protein change: p.Glu744Lys; replaces glutamic acid 744 with lysine.
Molecular consequence: missense variant. On other transcripts: non-coding transcript variant (5).
Genome position (GRCh38, 1-based): chr9:132,902,766, C>T on the plus strand (G>A on the coding strand, the complement: TSC1 is on the minus strand). VCF-style: chr9-132902766-C-T. GRCh37 (hg19) VCF-style: chr9-135778153-C-T.
Other names: c.2227G>A, p.Glu743Lys (NM_001162426.2, NM_001406597.1, NM_001406598.1 and 4 more transcripts); c.2077G>A, p.Glu693Lys (NM_001162427.2, NM_001406610.1); c.1867G>A, p.Glu623Lys (NM_001362177.2, NM_001406614.1, NM_001406615.1 and 5 more transcripts); c.2230G>A, p.Glu744Lys (NM_001406592.1, NM_001406593.1, NM_001406594.1 and 5 more transcripts); c.2215G>A, p.Glu739Lys (NM_001406601.1, NM_001406602.1); c.2212G>A, p.Glu738Lys (NM_001406603.1, NM_001406604.1); c.2074G>A, p.Glu692Lys (NM_001406611.1, NM_001406612.1, NM_001406613.1); c.1864G>A, p.Glu622Lys (NM_001406620.1, NM_001406621.1, NM_001406622.1 and 2 more transcripts); and 3 more; short protein forms E426K, E693K, E738K, E393K, E622K, E623K, E692K, E743K.
Identifiers: ClinVar variation 4553531 (VCV004553531.1).

ClinVar aggregate classification (germline): Uncertain significance (1 of 4 stars; one submission).

Conditions:
Hereditary cancer-predisposing syndrome. Also called: Tumor predisposition; Hereditary Cancer Syndrome; Hereditary neoplastic syndrome; Neoplastic Syndromes, Hereditary. Identifiers: Orphanet 140162, MedGen C0027672, MeSH D009386, MONDO:0015356.

Submission:

Ambry Genetics
Classification: Uncertain significance for Hereditary cancer-predisposing syndrome. Last evaluated: 2025-11-11. Review status: criteria provided, single submitter. Criteria: Ambry Variant Classification Scheme 2023. Collection method: clinical testing. Allele origin: germline.
Comment: The p.E744K variant (also known as c.2230G>A), located in coding exon 16 of the TSC1 gene, results from a G to A substitution at nucleotide position 2230. The glutamic acid at codon 744 is replaced by lysine, an amino acid with similar properties. This amino acid position is conserved. In addition, the in silico prediction for this alteration is inconclusive. Based on the available evidence, the clinical significance of this variant remains unclear.